The following is an entry in ClinVar:

ClinVar aggregate classification (germline): other (0 of 4 stars; one submission).

Conditions:
Familial colorectal cancer. Identifiers: MedGen CN280943, MONDO:0023113. Disease mechanism: loss of function.

Submission:

Systems Biology Platform Zhejiang California International NanoSystems Institute
Classification: other for Familial colorectal cancer. Review status: no assertion criteria provided. Collection method: not provided. Allele origin: unknown.
ClinVar note: Converted during submission from cancer to other.

NM_000038.6(APC):c.*2090C>A

Gene: APC (APC regulator of WNT signaling pathway; plus strand). Cytogenetic location: 5q22.2.
Variant type: single nucleotide variant.
Coding change: c.*2090C>A on transcript NM_000038.6 (MANE Select); 2090 bases downstream of the stop codon, C replaced by A.
Molecular consequence: 3 prime UTR variant.
Genome position (GRCh38, 1-based): chr5:112,846,216, C>A. VCF-style: chr5-112846216-C-A. GRCh37 (hg19) VCF-style: chr5-112181913-C-A.
Other names: c.*2090C>A (NM_001127510.3, NM_001127511.3, NM_001354895.2 and 11 more transcripts).
Identifiers: ClinVar variation 82640 (VCV000082640.2), dbSNP rs78525333, ClinGen allele CA007179.
Genomic context (GRCh38, chr5:112,846,216, plus strand): 5'-GCCAAATGTTATCTGAAATTGTCTATGAATACCATCTACTTCTGTTGTTTTCCCAGGCTT[C>A]CATAAACAATGGAGATACATGCATATAGGTCATACTGGTTTCCTTTCATTTTTTGATTTT-3'